The following is an entry in ClinVar:

NM_001319074.4(RAX2):c.341T>C (p.Met114Thr)

Gene: RAX2 (retina and anterior neural fold homeobox 2; minus strand). Cytogenetic location: 19p13.3.
Variant type: single nucleotide variant.
Coding change: c.341T>C on transcript NM_001319074.4 (MANE Select); coding-DNA position 341, T replaced by C.
Protein change: p.Met114Thr; replaces methionine 114 with threonine.
Molecular consequence: missense variant.
Genome position (GRCh38, 1-based): chr19:3,770,835, A>G on the plus strand (T>C on the coding strand, the complement: RAX2 is on the minus strand). VCF-style: chr19-3770835-A-G. GRCh37 (hg19) VCF-style: chr19-3770833-A-G.
Other names: c.341T>C (NM_032753.3); c.341T>C, p.Met114Thr (NM_032753.4); short protein forms M114T.
Identifiers: ClinVar variation 2103491 (VCV002103491.6), dbSNP rs1301564042, ClinGen allele CA403374731.

ClinVar aggregate classification (germline): Uncertain significance. Review status: criteria provided, multiple submitters, no conflicts (2 of 4 stars). 3 submissions from 3 submitters: Uncertain significance (3). Last evaluated 2025-11-12.

Allele frequency attached by ClinVar (database versions not stated): gnomAD exomes below 0.00001; TOPMed 0.00001.

Submissions (3):

Ambry Genetics
Classification: Uncertain significance. Last evaluated: 2025-11-12. Review status: criteria provided, single submitter. Criteria: Ambry Variant Classification Scheme 2023. Collection method: clinical testing. Allele origin: germline.

Labcorp Genetics (formerly Invitae), Labcorp
Classification: Uncertain significance. Last evaluated: 2025-04-10. Review status: criteria provided, single submitter. Criteria: Invitae Variant Classification Sherloc (09022015). Collection method: clinical testing. Allele origin: germline.
Comment: This sequence change replaces methionine, which is neutral and non-polar, with threonine, which is neutral and polar, at codon 114 of the RAX2 protein (p.Met114Thr). This variant is present in population databases (no rsID available, gnomAD 0.005%). This variant has not been reported in the literature in individuals affected with RAX2-related conditions. ClinVar contains an entry for this variant (Variation ID: 2103491). An algorithm developed to predict the effect of missense changes on protein structure and function (PolyPhen-2) suggests that this variant is likely to be tolerated. In summary, the available evidence is currently insufficient to determine the role of this variant in disease. Therefore, it has been classified as a Variant of Uncertain Significance.

Blueprint Genetics
Classification: Uncertain significance. Last evaluated: 2022-03-16. Review status: criteria provided, single submitter. Criteria: ACMG Guidelines, 2015. Collection method: clinical testing. Allele origin: germline.